The following is an entry in ClinVar:

NM_000515.5(GH1):c.639C>T (p.Gly213=)

Genes: GH-LCR (growth hormone locus control region; plus strand), GH1 (growth hormone 1; minus strand). Cytogenetic location: 17q23.3.
Variant type: single nucleotide variant.
Coding change: c.639C>T on transcript NM_000515.5 (MANE Select); coding-DNA position 639, C replaced by T.
Protein change: p.Gly213=; no amino-acid change (glycine 213 retained).
Molecular consequence: synonymous variant.
Genome position (GRCh38, 1-based): chr17:63,917,324, G>A on the plus strand (C>T on the coding strand, the complement: GH1 is on the minus strand). VCF-style: chr17-63917324-G-A. GRCh37 (hg19) VCF-style: chr17-61994684-G-A.
Other names: c.594C>T, p.Gly198= (NM_022559.4); c.519C>T, p.Gly173= (NM_022560.4).
Identifiers: ClinVar variation 3042412 (VCV003042412.2), dbSNP rs1366097196, ClinGen allele CA501225630.

ClinVar aggregate classification (germline): Likely benign (0 of 4 stars; one submission).

Conditions:
GH1-related disorder. Also called: GH1-related condition.

Allele frequency attached by ClinVar (database versions not stated): gnomAD exomes 0.00003; gnomAD 0.00005.
gnomAD v4.1: 53 of 1,613,964 alleles (0.0033%); highest among the groups gnomAD compares: Non-Finnish European, 0.0044%; no homozygotes.

Submission:

PreventionGenetics, part of Exact Sciences
Classification: Likely benign for GH1-related condition. Last evaluated: 2019-07-01. Review status: no assertion criteria provided. Collection method: clinical testing. Allele origin: germline.
Comment: This variant is classified as likely benign based on ACMG/AMP sequence variant interpretation guidelines (Richards et al. 2015 PMID: 25741868, with internal and published modifications).